The following is an entry in ClinVar:

ClinVar aggregate classification (germline): Uncertain significance. Review status: criteria provided, single submitter (1 of 4 stars). 2 submissions from 2 submitters: Uncertain significance (1). 1 of the submissions does not count toward it. Last evaluated 2025-10-24.

Conditions:
Hereditary cancer-predisposing syndrome. Also called: Neoplastic Syndromes, Hereditary; Tumor predisposition; Hereditary neoplastic syndrome; Hereditary Cancer Syndrome. Identifiers: Orphanet 140162, MedGen C0027672, MeSH D009386, MONDO:0015356.
Breast-ovarian cancer, familial, susceptibility to, 2 (BROVCA2). Also called: BRCA2 Hereditary Breast and Ovarian Cancer. Identifiers: Orphanet 145, MedGen C2675520, MONDO:0012933, OMIM 612555. Disease mechanism: loss of function.

Submissions (2):

Ambry Genetics
Classification: Uncertain significance for Hereditary cancer-predisposing syndrome. Last evaluated: 2025-10-24. Review status: criteria provided, single submitter. Criteria: Ambry Variant Classification Scheme 2023. Collection method: clinical testing. Allele origin: germline.
Comment: The c.632-1G>C intronic variant results from a G to C substitution one nucleotide upstream from coding exon 7 of the BRCA2 gene. This nucleotide position is highly conserved in available vertebrate species. In silico splice site analysis predicts that this alteration will weaken the native splice acceptor site and will result in the creation or strengthening of a novel splice acceptor site; however, direct evidence is insufficient at this time (Ambry internal data). RNA studies have demonstrated that this alteration results in abnormal splicing in the set of samples tested (Fraile-Bethencourt E et al. J Pathol, 2019 Aug;248:409-420). However, RNA experiments for other alterations at this splice site have shown coding exon 7 splicing alterations to express an in-frame transcript, known as 6q39_8 in the literature (Ambry internal data). This transcript has been shown to be able to perform homology directed repair in protein functional studies at a near wild-type level (Mesman, RLS et al. Genet Med 2020 08;22(8):1355-1365). Since supporting evidence is conflicting at this time, the clinical significance of this alteration remains unclear.

Breast Cancer Information Core (BIC) (BRCA2)
Classification: Pathogenic for Breast-ovarian cancer, familial 2. Review status: no assertion criteria provided. Collection method: clinical testing. Allele origin: germline. Affected: yes. Observed: 2 variant alleles. Not counted in ClinVar's aggregate classification.

Literature cited by the submitters: PubMed 30883759 (cited by Ambry Genetics).

NM_000059.4(BRCA2):c.632-1G>C

Gene: BRCA2 (BRCA2 DNA repair associated; plus strand). Cytogenetic location: 13q13.1.
Variant type: single nucleotide variant.
Coding change: c.632-1G>C on transcript NM_000059.4 (MANE Select); the canonical splice acceptor site of the intron before coding-DNA position 632, G replaced by C.
Molecular consequence: splice acceptor variant.
Genome position (GRCh38, 1-based): chr13:32,329,442, G>C. VCF-style: chr13-32329442-G-C. GRCh37 (hg19) VCF-style: chr13-32903579-G-C.
Other names: IVS7-1G>C; c.632-1G>C (NM_001406720.1, NM_001406719.1, NM_001406721.1); c.263-1G>C (NM_001406722.1).
Identifiers: ClinVar variation 52061 (VCV000052061.5), dbSNP rs81002820, ClinGen allele CA023885.